The following is an entry in ClinVar:

ClinVar aggregate classification (germline): Conflicting classifications of pathogenicity. Review status: criteria provided, conflicting classifications (1 of 4 stars). 2 submissions from 2 submitters: Uncertain significance (1); Likely benign (1). Last evaluated 2026-01-01.

Conditions:
Early onset severe obesity. Identifiers: MedGen C4013980.
MC4R-related disorder. Also called: MC4R-related condition.

Allele frequency attached by ClinVar (database versions not stated): ExAC 0.00003; gnomAD 0.00005; TOPMed 0.00005.
gnomAD v4.1: 121 of 1,614,090 alleles (0.0075%); highest among the groups gnomAD compares: Middle Eastern, 0.016%; 1 homozygote.

Submissions (2):

PreventionGenetics, part of Exact Sciences
Classification: Uncertain significance for MC4R-related condition. Last evaluated: 2026-01-01. Review status: criteria provided, single submitter. Criteria: ACMG Guidelines, 2015. Collection method: clinical testing. Allele origin: germline.
Comment: The MC4R c.706C>T variant is predicted to result in the amino acid substitution p.Arg236Cys. This variant has been reported in individuals with severe obesity (Table 1, Lubrano-Berthelier et al. 2003. PubMed ID: 14633862; Calton et al. 2009. PubMed ID: 19091795). Functional studies of p.Arg236Cys substituted protein have given conflicting results with some studies showing no impact on function (Calton et al. 2009. PubMed ID: 19091795; Wade et al. 2021. PubMed ID: 34045736 ) and others reporting an impact on protein localization (Siljee et al. 2018. PubMed ID: 29311635) and downstream signaling (Lotta et al. 2019. PubMed ID: 31002796). This variant is reported in 0.023% of alleles in individuals of South Asian descent in gnomAD. At this time, the clinical significance of this variant is uncertain due to the absence of conclusive functional and genetic evidence.

Cambridge Genomics Laboratory, East Genomic Laboratory Hub, NHS Genomic Medicine Service
Classification: Likely benign for Severe early-onset obesity. Last evaluated: 2025-11-10. Review status: criteria provided, single submitter. Criteria: ACGS Best Practice Guidelines for Variant Classification in Rare Disease 2020. Collection method: clinical testing. Allele origin: germline. Affected: yes.
Comment: PS4_Supporting,BS1_Strong,BP4

NM_005912.3(MC4R):c.706C>T (p.Arg236Cys)

Gene: MC4R (melanocortin 4 receptor; minus strand). Cytogenetic location: 18q21.32.
Variant type: single nucleotide variant.
Coding change: c.706C>T on transcript NM_005912.3 (MANE Select); coding-DNA position 706, C replaced by T.
Protein change: p.Arg236Cys; replaces arginine 236 with cysteine.
Molecular consequence: missense variant.
Genome position (GRCh38, 1-based): chr18:60,371,644, G>A on the plus strand (C>T on the coding strand, the complement: MC4R is on the minus strand). VCF-style: chr18-60371644-G-A. GRCh37 (hg19) VCF-style: chr18-58038877-G-A.
Other names: short protein forms R236C.
Identifiers: ClinVar variation 3046210 (VCV003046210.4), dbSNP rs758426526, ClinGen allele CA8980861.